The following is an entry in ClinVar:

ClinVar aggregate classification (germline): Uncertain significance (1 of 4 stars; one submission).

Conditions:
Familial thoracic aortic aneurysm and aortic dissection (TAAD). Also called: Thoracic aortic aneurysms and dissections. Identifiers: Orphanet 91387, MedGen C4707243, MONDO:0019625.

Allele frequency attached by ClinVar (database versions not stated): gnomAD exomes below 0.00001.
gnomAD v4.1: 1 of 1,613,834 alleles (0.000062%); highest among the groups gnomAD compares: Non-Finnish European, 0.000085%; no homozygotes.

Submission:

All of Us Research Program, National Institutes of Health
Classification: Uncertain significance for Familial thoracic aortic aneurysm and aortic dissection. Last evaluated: 2023-09-17. Review status: criteria provided, single submitter. Criteria: ACMG Guidelines, 2015. Collection method: clinical testing. Allele origin: germline. Inheritance: Autosomal dominant inheritance. Observed: 1 variant allele, 1 heterozygote.
Comment: This missense variant replaces proline with leucine at codon 335 of the ACTA2 protein. Computational prediction suggests that this variant may have deleterious impact on protein structure and function (internally defined REVEL score threshold >= 0.7, PMID: 27666373). To our knowledge, functional studies have not been reported for this variant. This variant has not been reported in individuals affected with ACTA2-related disorders in the literature. This variant has not been identified in the general population by the Genome Aggregation Database (gnomAD). The available evidence is insufficient to determine the role of this variant in disease conclusively. Therefore, this variant is classified as a Variant of Uncertain Significance.

This study involves interpretation of variants in research participants for the purpose of population health screening. Participant phenotype was not available at the time of variant classification. Additional details can be found in publication PMID: 35346344, PMCID: PMC8962531

NM_001613.4(ACTA2):c.1004C>T (p.Pro335Leu)

Genes: ACTA2-AS1 (ACTA2 antisense RNA 1; plus strand), ACTA2 (actin alpha 2, smooth muscle; minus strand). Cytogenetic location: 10q23.31.
Variant type: single nucleotide variant.
Coding change: c.1004C>T on transcript NM_001613.4 (MANE Select); coding-DNA position 1004, C replaced by T.
Protein change: p.Pro335Leu; replaces proline 335 with leucine.
Molecular consequence: missense variant. On other transcripts: non-coding transcript variant (1).
Genome position (GRCh38, 1-based): chr10:88,935,353, G>A on the plus strand (C>T on the coding strand, the complement: ACTA2 is on the minus strand). VCF-style: chr10-88935353-G-A. GRCh37 (hg19) VCF-style: chr10-90695110-G-A.
Other names: c.1004C>T, p.Pro335Leu (NM_001141945.3, NM_001320855.2, NM_001406462.1 and 2 more transcripts); c.893C>T, p.Pro298Leu (NM_001406466.1); c.875C>T, p.Pro292Leu (NM_001406467.1, NM_001406468.1, NM_001406469.1); c.812C>T, p.Pro271Leu (NM_001406471.1); short protein forms P271L, P292L, P298L, P335L.
Identifiers: ClinVar variation 3073497 (VCV003073497.1), dbSNP rs2494502597, ClinGen allele CA377510604.
Genomic context (GRCh38, chr10:88,935,353, plus strand): 5'-TGGAAGGTGGACAGAGAGGCCAGGATGGAGCCACCGATCCAGACAGAGTATTTGCGCTCC[G>A]GAGGGGCAATGATCTGTCAGTCAAGATGAAAAAGAATGGTCATTAATGTCATCATTAGTG-3'
Protein context (NP_001604.1, residues 325-345): STMKIKIIAP[Pro335Leu]ERKYSVWIGG